The following is an entry in ClinVar:

NM_001042545.2(LTBP4):c.519_520del (p.Ser174fs)

Gene: LTBP4 (latent transforming growth factor beta binding protein 4; plus strand). Cytogenetic location: 19q13.2.
Variant type: Microsatellite.
Coding change: c.519_520del on transcript NM_001042545.2 (MANE Select); coding-DNA positions 519 to 520, 2 bases deleted (GT; older notation c.519_520delGT).
Protein change: p.Ser174fs; shifts the reading frame from serine 174.
Molecular consequence: frameshift variant.
Genome position (GRCh38, 1-based): chr19:40,605,481-40,605,482, GT deleted; deleting any 2 consecutive bases within chr19:40,605,477-40,605,482 gives the same sequence; the c. name uses the placement nearest the transcript's 3' end. VCF-style (leftmost placement, unchanged base first): chr19-40605476-CGT-C. GRCh37 (hg19) VCF-style: chr19-41111382-CGT-C.
Other names: c.720_721del, p.Ser241fs (NM_001042544.1); c.609_610del, p.Ser204fs (NM_003573.2); short protein forms S174fs, S204fs, S241fs.
Identifiers: ClinVar variation 3343858 (VCV003343858.1).

ClinVar aggregate classification (germline): Likely pathogenic (1 of 4 stars; one submission).

Submission:

GeneDx
Classification: Likely pathogenic. Last evaluated: 2024-03-22. Review status: criteria provided, single submitter. Criteria: GeneDx Variant Classification Process June 2021. Collection method: clinical testing. Allele origin: germline. Affected: yes.
Comment: Identified in a patient with generalized cutis laxa in published literature (PMID: 33302946); Frameshift variant predicted to result in protein truncation or nonsense mediated decay in a gene for which loss of function is a known mechanism of disease; Not observed at significant frequency in large population cohorts (gnomAD); This variant is associated with the following publications: (PMID: 33302946)